The following is an entry in ClinVar:

NM_001035.3(RYR2):c.6792+122G>A

Gene: RYR2 (ryanodine receptor 2; plus strand). Cytogenetic location: 1q43.
Variant type: single nucleotide variant.
Coding change: c.6792+122G>A on transcript NM_001035.3 (MANE Select); 122 bases into the intron after coding-DNA position 6792, G replaced by A.
Molecular consequence: intron variant.
Genome position (GRCh38, 1-based): chr1:237,635,114, G>A. VCF-style: chr1-237635114-G-A. GRCh37 (hg19) VCF-style: chr1-237798414-G-A.
Identifiers: ClinVar variation 674215 (VCV000674215.2), dbSNP rs75658478, ClinGen allele CA39785254.

ClinVar aggregate classification (germline): Likely benign. Review status: criteria provided, multiple submitters, no conflicts (2 of 4 stars). 2 submissions from 2 submitters: Likely benign (2). Last evaluated 2018-06-16.

Allele frequency attached by ClinVar (database versions not stated): 1000 Genomes Project 30x 0.00890; 1000 Genomes Project 0.00938; gnomAD 0.01860 and 0.01911; TOPMed 0.01939; gnomAD exomes 0.02640.
gnomAD v4.1: 15,679 of 639,190 alleles (2.5%); highest among the groups gnomAD compares: Middle Eastern, 4.4%; 239 homozygotes.

Submissions (2):

GeneDx
Classification: Likely benign. Last evaluated: 2018-06-16. Review status: criteria provided, single submitter. Criteria: GeneDx Variant Classification (06012015). Collection method: clinical testing. Allele origin: germline. Affected: yes.
Comment: This variant is considered likely benign or benign based on one or more of the following criteria: it is a conservative change, it occurs at a poorly conserved position in the protein, it is predicted to be benign by multiple in silico algorithms, and/or has population frequency not consistent with disease.

Breakthrough Genomics
Classification: Likely benign. Review status: criteria provided, single submitter. Criteria: ACMG Guidelines, 2015. Collection method: not provided. Allele origin: germline. Inheritance: Autosomal dominant inheritance. Affected: yes.